The following is an entry in ClinVar:

NM_001378454.1(ALMS1):c.647-5T>C

Gene: ALMS1 (ALMS1 centrosome and basal body associated protein; plus strand). Cytogenetic location: 2p13.1.
Variant type: single nucleotide variant.
Coding change: c.647-5T>C on transcript NM_001378454.1 (MANE Select); 5 bases into the intron before coding-DNA position 647, T replaced by C.
Molecular consequence: intron variant.
Genome position (GRCh38, 1-based): chr2:73,422,852, T>C. VCF-style: chr2-73422852-T-C. GRCh37 (hg19) VCF-style: chr2-73649980-T-C.
Other names: c.650-5T>C (NM_015120.4); c.647-5T>C (NM_015120.4).
Identifiers: ClinVar variation 558420 (VCV000558420.3), dbSNP rs913268523, ClinGen allele CA50366144.

ClinVar aggregate classification (germline): Uncertain significance. Review status: criteria provided, single submitter (1 of 4 stars). 2 submissions from 2 submitters: Uncertain significance (1). 1 of the submissions does not count toward it. Last evaluated 2026-02-01.

Conditions:
Alstrom syndrome (ALMS). Identifiers: Orphanet 64, MedGen C0268425, MONDO:0008763, OMIM 203800.

Allele frequency attached by ClinVar (database versions not stated): gnomAD exomes below 0.00001; gnomAD 0.00001; TOPMed 0.00001.
gnomAD v4.1: 3 of 1,604,614 alleles (0.00019%); highest among the groups gnomAD compares: African/African-American, 0.004%; no homozygotes.

Submissions (2):

Labcorp Genetics (formerly Invitae), Labcorp
Classification: Uncertain significance for Alstrom syndrome. Last evaluated: 2026-02-01. Review status: criteria provided, single submitter. Criteria: Invitae Variant Classification Sherloc (09022015). Collection method: clinical testing. Allele origin: germline.
Comment: This sequence change falls in intron 3 of the ALMS1 gene. It does not directly change the encoded amino acid sequence of the ALMS1 protein. This variant is not present in population databases (gnomAD no frequency). This variant has not been reported in the literature in individuals affected with ALMS1-related conditions. ClinVar contains an entry for this variant (Variation ID: 558420). Algorithms developed to predict the effect of sequence changes on RNA splicing suggest that this variant may disrupt the consensus splice site. In summary, the available evidence is currently insufficient to determine the role of this variant in disease. Therefore, it has been classified as a Variant of Uncertain Significance.

Counsyl
Classification: Uncertain significance for Alstrom syndrome. Last evaluated: 2018-05-21. Review status: no assertion criteria provided. Collection method: clinical testing. Allele origin: unknown. Not counted in ClinVar's aggregate classification.